The following is an entry in ClinVar:

NM_004385.5(VCAN):c.5534A>T (p.Glu1845Val)

Genes: VCAN-AS1 (VCAN antisense RNA 1; minus strand), VCAN (versican; plus strand). Cytogenetic location: 5q14.3.
Variant type: single nucleotide variant.
Coding change: c.5534A>T on transcript NM_004385.5 (MANE Select); coding-DNA position 5534, A replaced by T.
Protein change: p.Glu1845Val; replaces glutamic acid 1845 with valine.
Molecular consequence: missense variant. On other transcripts: intron variant (2).
Genome position (GRCh38, 1-based): chr5:83,538,537, A>T. VCF-style: chr5-83538537-A-T. GRCh37 (hg19) VCF-style: chr5-82834356-A-T.
Other names: c.2573A>T, p.Glu858Val (NM_001164097.2); c.4004-7000A>T (NM_001164098.2); c.1043-7000A>T (NM_001126336.3); short protein forms E1845V, E858V.
Identifiers: ClinVar variation 4881108 (VCV004881108.2).
Genomic context (GRCh38, chr5:83,538,537, plus strand): 5'-CACGTAGTCCTGCCTCTGTCTTTATGGAGCAGGGCTCTGGAGAAGCTGCTGCCGACCCAG[A>T]AACCACCACTGTTTCTTCATTTTCATTAAACGTAGAGTATGCAATTCAAGCCGAAAAGGA-3'
Protein context (NP_004376.2, residues 1835-1855): QGSGEAAADP[Glu1845Val]TTTVSSFSLN

ClinVar aggregate classification (germline): Uncertain significance (1 of 4 stars; one submission).

Submission:

Dasa
Classification: Uncertain significance. Last evaluated: 2025-05-20. Review status: criteria provided, single submitter. Criteria: DASA Assertion Criteria. Collection method: clinical testing. Allele origin: germline.
Comment: NM_004385.5(VCAN):c.5534A>T (p.Glu1845Val) is a missense variant that results in the substitution of glutamic acid with valine. This variant is absent from population databases. Computational prediction algorithms are consistent with a benign effect. The currently available literature and clinical evidence are not sufficient to establish a definitive association between this variant and the reported condition. Therefore, this variant is classified as a variant of uncertain significance.